The following is an entry in ClinVar:

NM_001080.3(ALDH5A1):c.1235G>A (p.Arg412Gln)

Gene: ALDH5A1 (aldehyde dehydrogenase 5 family member A1; plus strand). Cytogenetic location: 6p22.3.
Variant type: single nucleotide variant.
Coding change: c.1235G>A on transcript NM_001080.3 (MANE Select); coding-DNA position 1235, G replaced by A.
Protein change: p.Arg412Gln; replaces arginine 412 with glutamine.
Molecular consequence: missense variant.
Genome position (GRCh38, 1-based): chr6:24,528,058, G>A. VCF-style: chr6-24528058-G-A. GRCh37 (hg19) VCF-style: chr6-24528286-G-A.
Other names: c.1091G>A, p.Arg364Gln (NM_001368954.1); c.1274G>A, p.Arg425Gln (NM_170740.1); short protein forms R364Q, R412Q, R425Q.
Identifiers: ClinVar variation 841678 (VCV000841678.7), dbSNP rs760658291, ClinGen allele CA3656886.

ClinVar aggregate classification (germline): Uncertain significance (1 of 4 stars; one submission).

Conditions:
Succinate-semialdehyde dehydrogenase deficiency (SSADHD). Also called: Succinic Semialdehyde Dehydrogenase Deficiency; SSADH DEFICIENCY; 4-HYDROXYBUTYRIC ACIDURIA; GABA METABOLIC DEFECT. Identifiers: Orphanet 22, MedGen C0268631, MONDO:0010083, OMIM 271980.

Allele frequency attached by ClinVar (database versions not stated): gnomAD exomes below 0.00001 and 0.00001; ExAC 0.00001; gnomAD 0.00001.
gnomAD v4.1: 9 of 1,613,936 alleles (0.00056%); highest among the groups gnomAD compares: East Asian, 0.0067%; no homozygotes.

Submission:

Labcorp Genetics (formerly Invitae), Labcorp
Classification: Uncertain significance for Succinate-semialdehyde dehydrogenase deficiency. Last evaluated: 2022-09-01. Review status: criteria provided, single submitter. Criteria: Invitae Variant Classification Sherloc (09022015). Collection method: clinical testing. Allele origin: germline.
Comment: This sequence change replaces arginine, which is basic and polar, with glutamine, which is neutral and polar, at codon 412 of the ALDH5A1 protein (p.Arg412Gln). This variant is present in population databases (rs760658291, gnomAD 0.007%). This variant has not been reported in the literature in individuals affected with ALDH5A1-related conditions. ClinVar contains an entry for this variant (Variation ID: 841678). Algorithms developed to predict the effect of missense changes on protein structure and function are either unavailable or do not agree on the potential impact of this missense change (SIFT: "Tolerated"; PolyPhen-2: "Possibly Damaging"; Align-GVGD: "Class C0"). In summary, the available evidence is currently insufficient to determine the role of this variant in disease. Therefore, it has been classified as a Variant of Uncertain Significance.